The following is an entry in ClinVar:

NM_000321.3(RB1):c.1964A>T (p.Tyr655Phe)

Gene: RB1 (RB transcriptional corepressor 1; plus strand). Cytogenetic location: 13q14.2.
Variant type: single nucleotide variant.
Coding change: c.1964A>T on transcript NM_000321.3 (MANE Select); coding-DNA position 1964, A replaced by T.
Protein change: p.Tyr655Phe; replaces tyrosine 655 with phenylalanine.
Molecular consequence: missense variant.
Genome position (GRCh38, 1-based): chr13:48,459,691, A>T. VCF-style: chr13-48459691-A-T. GRCh37 (hg19) VCF-style: chr13-49033827-A-T.
Other names: c.1964A>T (NM_000321.2); short protein forms Y655F.
Identifiers: ClinVar variation 1039752 (VCV001039752.11), dbSNP rs774196937, ClinGen allele CA033367.

ClinVar aggregate classification (germline): Uncertain significance. Review status: criteria provided, multiple submitters, no conflicts (2 of 4 stars). 2 submissions from 2 submitters: Uncertain significance (2). Last evaluated 2026-02-02.

Conditions:
Hereditary cancer-predisposing syndrome. Also called: Neoplastic Syndromes, Hereditary; Hereditary Cancer Syndrome; Tumor predisposition; Hereditary neoplastic syndrome. Identifiers: Orphanet 140162, MedGen C0027672, MeSH D009386, MONDO:0015356.
Retinoblastoma (RB1). Also called: RETINOBLASTOMA, SOMATIC. Identifiers: Orphanet 790, MedGen C0035335, MeSH D012175, MONDO:0008380, OMIM 180200, HP:0009919. Disease mechanism: loss of function. Inheritance: Both sporadic and heritable forms are tested..

Allele frequency attached by ClinVar (database versions not stated): gnomAD exomes below 0.00001; ExAC 0.00001.
gnomAD v4.1: 1 of 1,614,106 alleles (0.000062%); highest among the groups gnomAD compares: Non-Finnish European, 0.000085%; no homozygotes.

Submissions (2):

Labcorp Genetics (formerly Invitae), Labcorp
Classification: Uncertain significance for Retinoblastoma. Last evaluated: 2026-02-02. Review status: criteria provided, single submitter. Criteria: Invitae Variant Classification Sherloc (09022015). Collection method: clinical testing. Allele origin: germline.
Comment: This sequence change replaces tyrosine, which is neutral and polar, with phenylalanine, which is neutral and non-polar, at codon 655 of the RB1 protein (p.Tyr655Phe). This variant is present in population databases (rs774196937, gnomAD 0.0009%). This variant has not been reported in the literature in individuals affected with RB1-related conditions. ClinVar contains an entry for this variant (Variation ID: 1039752). Invitae Evidence Modeling of protein sequence and biophysical properties (such as structural, functional, and spatial information, amino acid conservation, physicochemical variation, residue mobility, and thermodynamic stability) indicates that this missense variant is not expected to disrupt RB1 protein function with a negative predictive value of 80%. In summary, the available evidence is currently insufficient to determine the role of this variant in disease. Therefore, it has been classified as a Variant of Uncertain Significance.

Ambry Genetics
Classification: Uncertain significance for Hereditary cancer-predisposing syndrome. Last evaluated: 2025-05-17. Review status: criteria provided, single submitter. Criteria: Ambry Variant Classification Scheme 2023. Collection method: clinical testing. Allele origin: germline.
Comment: The p.Y655F variant (also known as c.1964A>T), located in coding exon 20 of the RB1 gene, results from an A to T substitution at nucleotide position 1964. The tyrosine at codon 655 is replaced by phenylalanine, an amino acid with highly similar properties. This amino acid position is highly conserved in available vertebrate species. In addition, the in silico prediction for this alteration is inconclusive. Based on the available evidence, the clinical significance of this variant remains unclear.